The following is an entry in ClinVar:

ClinVar aggregate classification (germline): Uncertain significance (1 of 4 stars; one submission).

Allele frequency attached by ClinVar (database versions not stated): gnomAD exomes below 0.00001.
gnomAD v4.1: 3 of 1,614,176 alleles (0.00019%); highest among the groups gnomAD compares: African/African-American, 0.0013%; no homozygotes.

Submission:

Labcorp Genetics (formerly Invitae), Labcorp
Classification: Uncertain significance. Last evaluated: 2024-06-02. Review status: criteria provided, single submitter. Criteria: Invitae Variant Classification Sherloc (09022015). Collection method: clinical testing. Allele origin: germline.
Comment: This sequence change replaces asparagine, which is neutral and polar, with serine, which is neutral and polar, at codon 354 of the ADNP protein (p.Asn354Ser). This variant is present in population databases (no rsID available, gnomAD 0.0009%). This variant has not been reported in the literature in individuals affected with ADNP-related conditions. ClinVar contains an entry for this variant (Variation ID: 2050228). Algorithms developed to predict the effect of missense changes on protein structure and function output the following: SIFT: "Not Available"; PolyPhen-2: "Benign"; Align-GVGD: "Not Available". The serine amino acid residue is found in multiple mammalian species, which suggests that this missense change does not adversely affect protein function. In summary, the available evidence is currently insufficient to determine the role of this variant in disease. Therefore, it has been classified as a Variant of Uncertain Significance.

NM_001282531.3(ADNP):c.1061A>G (p.Asn354Ser)

Gene: ADNP (activity dependent neuroprotector homeobox; minus strand). Cytogenetic location: 20q13.13.
Variant type: single nucleotide variant.
Coding change: c.1061A>G on transcript NM_001282531.3 (MANE Select); coding-DNA position 1061, A replaced by G.
Protein change: p.Asn354Ser; replaces asparagine 354 with serine.
Molecular consequence: missense variant.
Genome position (GRCh38, 1-based): chr20:50,893,653, T>C on the plus strand (A>G on the coding strand, the complement: ADNP is on the minus strand). VCF-style: chr20-50893653-T-C. GRCh37 (hg19) VCF-style: chr20-49510190-T-C.
Other names: c.1061A>G, p.Asn354Ser (NM_001282532.2, NM_001347511.2, NM_015339.5 and 1 more transcripts); short protein forms N354S.
Identifiers: ClinVar variation 2050228 (VCV002050228.4), dbSNP rs866056890, ClinGen allele CA315257934.
Genomic context (GRCh38, chr20:50,893,653, plus strand): 5'-TTTCCACTTGGAAGTAACTGCTTTACAGACTGAGATTGTTGAGGAATGGAAACTGGTGCG[T>C]TGCCACCTAGACCCAGTCTCATTGACTGACCAACACTGTAACCCTGGCCTACAGATTTGA-3'
Protein context (NP_001269460.1, residues 344-364): GQSMRLGLGG[Asn354Ser]APVSIPQQSQ